The following is an entry in ClinVar:

NM_032578.4(MYPN):c.3456C>T (p.Thr1152=)

Gene: MYPN (myopalladin; plus strand). Cytogenetic location: 10q21.3.
Variant type: single nucleotide variant.
Coding change: c.3456C>T on transcript NM_032578.4 (MANE Select); coding-DNA position 3456, C replaced by T.
Protein change: p.Thr1152=; no amino-acid change (threonine 1152 retained).
Molecular consequence: synonymous variant. On other transcripts: non-coding transcript variant (2).
Genome position (GRCh38, 1-based): chr10:68,199,538, C>T. VCF-style: chr10-68199538-C-T. GRCh37 (hg19) VCF-style: chr10-69959295-C-T.
Other names: c.3456C>T, p.Thr1152= (NM_001256267.2); c.2574C>T, p.Thr858= (NM_001256268.2).
Identifiers: ClinVar variation 378226 (VCV000378226.51), dbSNP rs202183926, ClinGen allele CA5523045.
Genomic context (GRCh38, chr10:68,199,538, plus strand): 5'-CATTGACCCACTCACTCAGCGCGACGCAGGGACCTATAAGTGCATCGCTACCAACAAAAC[C>T]GGGCAGAATTCTTTTAGTCTGGAGCTCTCTGTAGTAGGTAAGGTTTGCTGCTGGGACCCC-3'
Protein context (NP_115967.2, residues 1142-1162): GTYKCIATNK[Thr1152=]GQNSFSLELS

ClinVar aggregate classification (germline): Benign/Likely benign. Review status: criteria provided, multiple submitters, no conflicts (2 of 4 stars). 9 submissions from 9 submitters: Benign (3); Likely benign (4). 2 of the submissions do not count toward it. Last evaluated 2025-12-29.

Conditions:
MYPN-related myopathy (CMYO24). Also called: Nemaline myopathy 11, autosomal recessive. Identifiers: MedGen C4479186, MONDO:0015023, OMIM 617336.
Dilated cardiomyopathy 1KK (CMD1KK). Identifiers: Orphanet 154, Orphanet 75249, MedGen C3714995, MONDO:0014100, OMIM 615248.
Cardiovascular phenotype. Identifiers: MedGen CN230736.

Allele frequency attached by ClinVar (database versions not stated): gnomAD 0.00005 and 0.00020; TOPMed 0.00010; gnomAD exomes 0.00068; ExAC 0.00073; 1000 Genomes Project 30x 0.00187; 1000 Genomes Project 0.00200.
gnomAD v4.1: 518 of 1,614,098 alleles (0.032%); highest among the groups gnomAD compares: South Asian, 0.47%; 8 homozygotes.

Submissions (9):

Labcorp Genetics (formerly Invitae), Labcorp
Classification: Benign for Dilated cardiomyopathy 1KK. Last evaluated: 2025-12-29. Review status: criteria provided, single submitter. Criteria: Invitae Variant Classification Sherloc (09022015). Collection method: clinical testing. Allele origin: germline.

Women's Health and Genetics/Laboratory Corporation of America, LabCorp
Classification: Benign. Last evaluated: 2025-07-03. Review status: criteria provided, single submitter. Criteria: LabCorp Variant Classification Summary - May 2015. Collection method: clinical testing. Allele origin: germline.

Blueprint Genetics
Classification: Likely benign. Last evaluated: 2024-08-12. Review status: criteria provided, single submitter. Criteria: ACMG Guidelines, 2015. Collection method: clinical testing. Allele origin: germline.

CeGaT Center for Human Genetics Tuebingen
Classification: Likely benign. Last evaluated: 2024-06-01. Review status: criteria provided, single submitter. Criteria: CeGaT Center For Human Genetics Tuebingen Variant Classification Criteria Version 2. Collection method: clinical testing. Allele origin: germline. Affected: yes. Observed: 2 variant alleles.
Comment: MYPN: BP4, BP7, BS2

Fulgent Genetics
Classification: Likely benign for Dilated cardiomyopathy 1KK; MYPN-related myopathy. Last evaluated: 2021-08-19. Review status: criteria provided, single submitter. Criteria: ACMG Guidelines, 2015. Collection method: clinical testing. Allele origin: unknown.

Ambry Genetics
Classification: Likely benign for Cardiovascular phenotype. Last evaluated: 2018-11-16. Review status: criteria provided, single submitter. Criteria: Ambry Variant Classification Scheme 2023. Collection method: clinical testing. Allele origin: germline.

GeneDx
Classification: Benign. Last evaluated: 2015-05-11. Review status: criteria provided, single submitter. Criteria: GeneDx Variant Classification (06012015). Collection method: clinical testing. Allele origin: germline. Affected: yes.
Comment: This variant is considered likely benign or benign based on one or more of the following criteria: it is a conservative change, it occurs at a poorly conserved position in the protein, it is predicted to be benign by multiple in silico algorithms, and/or has population frequency not consistent with disease.

Clinical Genetics DNA and cytogenetics Diagnostics Lab, Erasmus MC, Erasmus Medical Center
Classification: Likely benign. Review status: no assertion criteria provided. Collection method: clinical testing. Allele origin: germline. Affected: yes. Study: VKGL Data-share Consensus. Not counted in ClinVar's aggregate classification.

Clinical Genetics, Academic Medical Center
Classification: Benign. Review status: no assertion criteria provided. Collection method: clinical testing. Allele origin: germline. Affected: yes. Study: VKGL Data-share Consensus. Not counted in ClinVar's aggregate classification.